The following is an entry in ClinVar:

NM_000158.4(GBE1):c.1543C>T (p.Arg515Cys)

Gene: GBE1 (1,4-alpha-glucan branching enzyme 1; minus strand). Cytogenetic location: 3p12.2.
Variant type: single nucleotide variant.
Coding change: c.1543C>T on transcript NM_000158.4 (MANE Select); coding-DNA position 1543, C replaced by T.
Protein change: p.Arg515Cys; replaces arginine 515 with cysteine.
Molecular consequence: missense variant.
Genome position (GRCh38, 1-based): chr3:81,578,000, G>A on the plus strand (C>T on the coding strand, the complement: GBE1 is on the minus strand). VCF-style: chr3-81578000-G-A. GRCh37 (hg19) VCF-style: chr3-81627151-G-A.
Other names: NM_000158.4(GBE1):c.1543C>T; short protein forms R515C.
Identifiers: ClinVar variation 2779 (VCV000002779.25), dbSNP rs80338672, ClinGen allele CA115747.

ClinVar aggregate classification (germline): Pathogenic/Likely pathogenic. Review status: criteria provided, multiple submitters, no conflicts (2 of 4 stars). 13 submissions from 13 submitters: Pathogenic (7); Likely pathogenic (4). 2 of the submissions do not count toward it. Last evaluated 2026-08-06.

Conditions:
Inborn genetic diseases. Identifiers: MedGen C0950123, MeSH D030342.
Glycogen storage disease, type IV (GSD4). Also called: AMYLOPECTINOSIS; ANDERSEN DISEASE; BRANCHER DEFICIENCY; CIRRHOSIS, FAMILIAL, WITH DEPOSITION OF ABNORMAL GLYCOGEN; Glycogen storage disease due to glycogen branching enzyme deficiency; GBE1 DEFICIENCY. Identifiers: Orphanet 367, MedGen C0017923, MONDO:0009292, OMIM 232500.
Glycogen storage disease IV, classic hepatic. Also called: GSD IV, CLASSIC HEPATIC. Identifiers: MedGen C1856301.
GBE1-related disorder. Also called: GBE1-related condition; GBE1-related disorders. Identifiers: MedGen CN239402.

Allele frequency attached by ClinVar (database versions not stated): gnomAD below 0.00001 and 0.00001; gnomAD exomes 0.00002 and 0.00004; TOPMed 0.00002; ExAC 0.00005.
gnomAD v4.1: 13 of 1,608,504 alleles (0.00081%); highest among the groups gnomAD compares: Admixed American, 0.0085%; no homozygotes.

Submissions (13):

OLLIN Analises Genomicas, OLLIN
Classification: Pathogenic for Glycogen storage disease, type IV. Last evaluated: 2026-08-06. Review status: criteria provided, single submitter. Criteria: ACMG Guidelines 2015 PMID 25741868. Collection method: clinical testing. Allele origin: germline. Inheritance: Autosomal recessive inheritance.
Comment: This missense variant, located in exon 12 (of 16), has been reported in ClinVar (accession VCV002930057.3), in gnomAD with an allele frequency of 0.000808%, and in the scientific literature, in compound heterozygosity, in individuals with GBE1 related disorders (PMID: 8613547, 26147564, 10762170). Functional studies suggest that this variant may affect protein function, and in silico analysis predicts a deleterious effect (PMID: 8613547). Another pathogenic variant affecting the same amino acid residue has been reported (PMID: 10762170). According to the currently available evidence, this variant has been classified as pathogenic (PS3_S, PM3_S, PM5, PP3_S).

Mayo Clinic Laboratories, Mayo Clinic
Classification: Pathogenic. Last evaluated: 2025-07-28. Review status: criteria provided, single submitter. Criteria: ACMG Guidelines, 2015. Collection method: clinical testing. Allele origin: germline. Observed: 1 variant allele.
Comment: PP3_strong, PM2_supporting, PM3_strong, PM5, PS3_supporting

Broad Center for Mendelian Genomics, Broad Institute of MIT and Harvard
Classification: Likely pathogenic for Glycogen storage disease, type IV. Last evaluated: 2025-05-05. Review status: criteria provided, single submitter. Criteria: ACMG Guidelines, 2015. Collection method: curation. Allele origin: germline. Inheritance: Autosomal recessive inheritance.
Comment: The p.Arg515Cys variant in GBE1 has been reported in at least 2 individuals with glycogen storage disease type IV (GSD IV) (PMID: 25356970, 20058079, 26147564), and has been identified in 0.008% (5/59026) of Admixed American chromosomes by the Genome Aggregation Database (gnomAD; dbSNP ID: rs80338672). Although this variant has been seen in the general population in a heterozygous state, its frequency is not high enough to rule out a pathogenic role. This variant has also been reported in ClinVar (VCV000002779.18) and has been interpreted as pathogenic/likely pathogenic by multiple submitters. Of the two affected individuals, one was a compound heterozygote that carried reported pathogenic/likely pathogenic variant in trans, which increases the likelihood that the p.Arg515Cys variant is pathogenic (VCV000224994.11;PMID: 26147564). In vitro functional studies provide some evidence that the p.Arg515Cys variant may slightly impact protein function (PMID: 8613547). However, these types of assays may not accurately represent biological function. Computational prediction tools and conservation analyses suggest that this variant may impact the protein, though this information is not predictive enough to determine pathogenicity. Two additional likely pathogenic variants, resulting in a different amino acid change at the same position, Arg515His and p.Arg515Gly, have been reported in association with disease in ClinVar, supporting that a change at this position may not be tolerated (VCV000180651.22, VCV002930057.2). In summary, although additional studies are required to fully establish its clinical significance, this variant is likely pathogenic for autosomal recessive GSD IV. ACMG/AMP Criteria applied: PP3_moderate, PM5, PM2_supporting, PM3, PS3_supporting (Richards 2015).

Natera, Inc.
Classification: Likely pathogenic for Glycogen storage disease type IV. Last evaluated: 2025-03-25. Review status: criteria provided, single submitter. Criteria: Natera Variant Classification Schema (03/2026). Collection method: clinical testing. Allele origin: germline.
Comment: The c.1543C>T variant in GBE1 is a missense variant predicted to cause substitution of arginine to cysteine at amino acid 515. This variant is rare in the general population with a frequency below the threshold expected for the associated phenotype(s). This variant has been observed in one or more individuals affected with the associated recessive disease, as either homozygous or compound heterozygous with a second variant (PMID: 25356970, 20058079). This variant has been observed to segregate in affected family members (PMID: 26147564, 38912588). Functional studies show that this variant may disrupt protein function (PMID: 8613547). A different variant at the same position has been determined to be Pathogenic or Likely Pathogenic. Computational prediction algorithms indicate this variant is likely to affect gene or protein function. Given the available evidence, this variant is classified as Likely Pathogenic.

GeneDx
Classification: Pathogenic. Last evaluated: 2025-03-12. Review status: criteria provided, single submitter. Criteria: GeneDx Variant Classification Process June 2021. Collection method: clinical testing. Allele origin: germline. Affected: yes.
Comment: Identified with a second GBE1 variant in patients with glycogen storage disease type IV in the published literature (PMID: 8613547, 20058079); Published functional studies demonstrate a damaging effect on protein activity (PMID: 8613547); Not observed at significant frequency in large population cohorts (gnomAD); In silico analysis supports that this missense variant has a deleterious effect on protein structure/function; This variant is associated with the following publications: (PMID: 31589614, 17027861, 8613547, 20058079)

Blueprint Genetics
Classification: Pathogenic for GBE1-related disorders. Last evaluated: 2024-07-12. Review status: criteria provided, single submitter. Criteria: ACMG Guidelines, 2015. Collection method: clinical testing. Allele origin: germline. Affected: yes. Observed: 2 variant alleles.

Baylor Genetics
Classification: Pathogenic for Glycogen storage disease, type IV. Last evaluated: 2024-03-24. Review status: criteria provided, single submitter. Criteria: ACMG Guidelines, 2015. Collection method: clinical testing. Allele origin: unknown.

Labcorp Genetics (formerly Invitae), Labcorp
Classification: Pathogenic for Glycogen storage disease, type IV; Glycogen storage disease IV, classic hepatic. Last evaluated: 2023-11-05. Review status: criteria provided, single submitter. Criteria: Invitae Variant Classification Sherloc (09022015). Collection method: clinical testing. Allele origin: germline.
Comment: This sequence change replaces arginine, which is basic and polar, with cysteine, which is neutral and slightly polar, at codon 515 of the GBE1 protein (p.Arg515Cys). This variant is present in population databases (rs80338672, gnomAD 0.01%). This missense change has been observed in individual(s) with glycogen storage disease, also known as polyglucosan body myopathy (PMID: 8613547, 11949934). ClinVar contains an entry for this variant (Variation ID: 2779). Advanced modeling of protein sequence and biophysical properties (such as structural, functional, and spatial information, amino acid conservation, physicochemical variation, residue mobility, and thermodynamic stability) performed at Invitae indicates that this missense variant is expected to disrupt GBE1 protein function with a positive predictive value of 95%. Experimental studies have shown that this missense change affects GBE1 function (PMID: 8613547). This variant disrupts the p.Arg515 amino acid residue in GBE1. Other variant(s) that disrupt this residue have been determined to be pathogenic (PMID: 10762170, 24248152). This suggests that this residue is clinically significant, and that variants that disrupt this residue are likely to be disease-causing. For these reasons, this variant has been classified as Pathogenic.

Molecular Genetics, Royal Melbourne Hospital
Classification: Likely pathogenic for Glycogen storage disease, type IV. Last evaluated: 2023-03-30. Review status: criteria provided, single submitter. Criteria: ACMG Guidelines, 2015. Collection method: clinical testing. Allele origin: germline.
Comment: This sequence change is predicted to replace arginine with cysteine at codon 515 of the GBE1 protein, p.(Arg515Cys). The arginine residue is highly conserved (100 vertebrates, UCSC), and is located within a helical region in the catalytic domain (PMID: 26199317). There is a large physicochemical difference between arginine and cysteine. The variant is present in a large population cohort at a frequency of 0.004%, which is consistent with recessive disease (rs80338672, 9/243,364 alleles, 0 homozygotes in gnomAD v2.1). It has been identified compound heterozygous with a second pathogenic allele or suspected compound heterozygous in cases with the fatal perinatal neuromuscular form or infantile classic hepatic phenotype of glycogen storage disorder type IV. Further, there was biochemical confirmation of the diagnosis in the cases with the classic hepatic phenotype, through the measurement of branching enzyme activity in patient fibroblasts (PMID: 8613547, 20058079, 26147564). Reduced enzymatic activity of the variant has also been demonstrated in in vitro functional studies (PMID: 8613547). Multiple lines of computational evidence predict a deleterious effect for the missense substitution (7/7 algorithms). Additionally, a different missense change (p.Arg515His) at the same position, determined to be pathogenic has been identified in adult polyglucosan body disease (PMID: 10762170). Based on the classification scheme RMH ACMG Guidelines v1.2.1, this variant is classified as LIKELY PATHOGENIC. Following criteria are met: PM2, PM3, PM5, PS3_Supporting, PP3, PP4.

Women's Health and Genetics/Laboratory Corporation of America, LabCorp
Classification: Likely pathogenic for Glycogen storage disease, type IV. Last evaluated: 2021-09-08. Review status: criteria provided, single submitter. Criteria: LabCorp Variant Classification Summary - May 2015. Collection method: clinical testing. Allele origin: germline.
Comment: Variant summary: GBE1 c.1543C>T (p.Arg515Cys) results in a non-conservative amino acid change located in the Glycosyl hydrolase, family 13, catalytic domain of the encoded protein sequence. Five of five in-silico tools predict a damaging effect of the variant on protein function. The variant allele was found at a frequency of 3.7e-05 in 243364 control chromosomes. c.1543C>T has been reported in the literature in individuals affected with Glycogen Storage Disease, Type IV (Bao_1996, Li_2010, Farwell_2015). These data indicate that the variant may be associated with disease. At least one publication reports experimental evidence evaluating an impact on protein function. The most pronounced variant effect results in 10%-<30% of normal activity (Bao_1996). One clinical diagnostic laboratory has submitted clinical-significance assessments for this variant to ClinVar after 2014 without evidence for independent evaluation and classified the variant as likely pathogenic. In addition, p.R515H has been reported to associate with the disease too. Based on the evidence outlined above, the variant was classified as likely pathogenic.

Ambry Genetics
Classification: Pathogenic for Inborn genetic diseases. Last evaluated: 2013-08-30. Review status: criteria provided, single submitter. Criteria: Ambry Autosomal Dominant and X-Linked criteria (10/2015). Collection method: clinical testing. Allele origin: germline. Observed: 1 variant allele.

OMIM
Classification: Pathogenic for GLYCOGEN STORAGE DISEASE IV, CLASSIC HEPATIC. Last evaluated: 1996-02-15. Review status: no assertion criteria provided. Collection method: literature only. Allele origin: germline. Not counted in ClinVar's aggregate classification.

GeneReviews
No classification provided. Condition: Glycogen storage disease, type IV. Review status: no classification provided. Collection method: literature only. Allele origin: unknown. Not counted in ClinVar's aggregate classification.

Literature cited by the submitters: PubMed 8613547 (cited by 9 submitters); PubMed 26147564 (cited by 4 submitters); PubMed 10762170 (cited by 5 submitters); PubMed 12874416 (cited by Mayo Clinic Laboratories, Mayo Clinic); PubMed 20058079 (cited by 5 submitters); PubMed 24248152 (cited by Mayo Clinic Laboratories, Mayo Clinic and Labcorp Genetics (formerly Invitae), Labcorp); PubMed 25356970 (cited by 4 submitters); PubMed 31815882 (cited by Mayo Clinic Laboratories, Mayo Clinic); PubMed 33517539 (cited by Mayo Clinic Laboratories, Mayo Clinic); PubMed 38912588 (cited by Natera, Inc.); PubMed 11949934 (cited by Labcorp Genetics (formerly Invitae), Labcorp); PubMed 26199317 (cited by Molecular Genetics, Royal Melbourne Hospital); PubMed 20301758 (cited by GeneReviews); NCBI Bookshelf NBK5300 (cited by GeneReviews).